The following is an entry in ClinVar:

NM_001374736.1(DST):c.13114A>C (p.Ser4372Arg)

Gene: DST (dystonin; minus strand). Cytogenetic location: 6p12.1.
Variant type: single nucleotide variant.
Coding change: c.13114A>C on transcript NM_001374736.1 (MANE Select); coding-DNA position 13114, A replaced by C.
Protein change: p.Ser4372Arg; replaces serine 4372 with arginine.
Molecular consequence: missense variant.
Genome position (GRCh38, 1-based): chr6:56,573,801, T>G on the plus strand (A>C on the coding strand, the complement: DST is on the minus strand). VCF-style: chr6-56573801-T-G. GRCh37 (hg19) VCF-style: chr6-56438599-T-G.
Other names: c.6757A>C, p.Ser2253Arg (NM_001144769.5); c.6343A>C, p.Ser2115Arg (NM_001144770.2); c.13114A>C, p.Ser4372Arg (NM_001374722.1); c.12481A>C, p.Ser4161Arg (NM_001374729.1); c.6223A>C, p.Ser2075Arg (NM_001374730.1, NM_183380.4); c.13141A>C, p.Ser4381Arg (NM_001374734.1); c.5245A>C, p.Ser1749Arg (NM_015548.5); short protein forms S2075R, S1749R, S2115R, S2253R, S4161R, S4372R, S4381R.
Identifiers: ClinVar variation 970758 (VCV000970758.9), dbSNP rs759292785, ClinGen allele CA3868276.
Genomic context (GRCh38, chr6:56,573,801, plus strand): 5'-TCAGAGAACTTTCCACATTTCCCATCCAGTCCAGCATTTCATCCAAGCCATCCTGCACAC[T>G]CAGTGAACGGGTCAAGGTTATCTGGAGTTTTTCATTTCGTTCATTAACAGACTTGGACAG-3'
Protein context (NP_001361665.1, residues 4362-4382): KLQITLTRSL[Ser4372Arg]VQDGLDEMLD

ClinVar aggregate classification (germline): Uncertain significance. Review status: criteria provided, multiple submitters, no conflicts (2 of 4 stars). 2 submissions from 2 submitters: Uncertain significance (2). Last evaluated 2022-07-29.

Conditions:
Epidermolysis bullosa simplex 3, localized or generalized intermediate, with BP230 deficiency (EBS3). Also called: Epidermolysis bullosa simplex, autosomal recessive 2; Epidermolysis bullosa simplex due to BP230 deficiency. Identifiers: Orphanet 412181, MedGen C3809470, MONDO:0014180, OMIM 615425.
Hereditary sensory and autonomic neuropathy type 6. Also called: Neuropathy, hereditary sensory and autonomic, type VI; HSAN VI. Identifiers: Orphanet 314381, MedGen C3539003, MONDO:0013839, OMIM 614653.
Inborn genetic diseases. Identifiers: MedGen C0950123, MeSH D030342.

Allele frequency attached by ClinVar (database versions not stated): ExAC 0.00002; gnomAD exomes 0.00004 and 0.00006; gnomAD 0.00006; TOPMed 0.00006.
gnomAD v4.1: 100 of 1,613,462 alleles (0.0062%); highest among the groups gnomAD compares: Non-Finnish European, 0.008%; no homozygotes.

Submissions (2):

Labcorp Genetics (formerly Invitae), Labcorp
Classification: Uncertain significance for Epidermolysis bullosa simplex 3, localized or generalized intermediate, with BP230 deficiency; Hereditary sensory and autonomic neuropathy type 6. Last evaluated: 2022-07-29. Review status: criteria provided, single submitter. Criteria: Invitae Variant Classification Sherloc (09022015). Collection method: clinical testing. Allele origin: germline.
Comment: The DST gene has multiple clinically relevant transcripts. This variant occurs in alternate transcript NM_015548.4, and corresponds to NM_001723.5:c.*41716A>C in the primary transcript. This sequence change replaces serine, which is neutral and polar, with arginine, which is basic and polar, at codon 1749 of the DST protein (p.Ser1749Arg). This variant is present in population databases (rs759292785, gnomAD 0.01%). This variant has not been reported in the literature in individuals affected with DST-related conditions. Experimental studies and prediction algorithms are not available or were not evaluated, and the functional significance of this variant is currently unknown. In summary, the available evidence is currently insufficient to determine the role of this variant in disease. Therefore, it has been classified as a Variant of Uncertain Significance.

Ambry Genetics
Classification: Uncertain significance for Inborn genetic diseases. Last evaluated: 2020-02-19. Review status: criteria provided, single submitter. Criteria: Ambry Variant Classification Scheme 2023. Collection method: clinical testing. Allele origin: germline.
Comment: The p.S2253R variant (also known as c.6757A>C), located in coding exon 45 of the DST gene, results from an A to C substitution at nucleotide position 6757. The serine at codon 2253 is replaced by arginine, an amino acid with dissimilar properties. This amino acid position is highly conserved in available vertebrate species. In addition, this alteration is predicted to be deleterious by in silico analysis. Since supporting evidence is limited at this time, the clinical significance of this alteration remains unclear.